The following is an entry in ClinVar:

NM_172250.3(MMAA):c.314dup (p.Thr106fs)

Gene: MMAA (metabolism of cobalamin associated A; plus strand). Cytogenetic location: 4q31.21.
Variant type: Duplication.
Coding change: c.314dup on transcript NM_172250.3 (MANE Select); coding-DNA position 314, one base duplicated (T; older notation c.314dupT).
Protein change: p.Thr106fs; shifts the reading frame from threonine 106.
Molecular consequence: frameshift variant.
Genome position (GRCh38, 1-based): chr4:145,639,453, T duplicated. VCF-style (leftmost placement, unchanged base first): chr4-145639452-A-AT. GRCh37 (hg19) VCF-style: chr4-146560604-A-AT.
Other names: c.314dup, p.Thr106fs (NM_001375644.1); short protein forms T106fs.
Identifiers: ClinVar variation 961272 (VCV000961272.7), dbSNP rs1727720677, ClinGen allele CA1139658657.

ClinVar aggregate classification (germline): Pathogenic (1 of 4 stars; one submission).

Conditions:
Methylmalonic aciduria, cblA type (MACA). Also called: Methylmalonic aciduria, vitamin B12-responsive; Vitamin B12-responsive methylmalonic acidemia type cblA; Methylmalonic aciduria, vitamin b12-responsive, due to defect in synthesis of adenosylcobalamin, cbla complementation type; MMA cbl A type; Methylmalonic acidemia cblA type. Identifiers: Orphanet 28, Orphanet 79310, MedGen C1855109, MONDO:0009613, OMIM 251100.

Submission:

Labcorp Genetics (formerly Invitae), Labcorp
Classification: Pathogenic for Methylmalonic aciduria, cblA type. Last evaluated: 2019-09-14. Review status: criteria provided, single submitter. Criteria: Invitae Variant Classification Sherloc (09022015). Collection method: clinical testing. Allele origin: germline.
Comment: This variant has not been reported in the literature in individuals with MMAA-related conditions. Loss-of-function variants in MMAA are known to be pathogenic (PMID: 15523652, 15781192). For these reasons, this variant has been classified as Pathogenic. This sequence change creates a premature translational stop signal (p.Thr106Asnfs*33) in the MMAA gene. It is expected to result in an absent or disrupted protein product. This variant is not present in population databases (ExAC no frequency).

Literature cited by the submitters: PubMed 15523652; PubMed 15781192.